The following is an entry in ClinVar:

NM_000368.5(TSC1):c.364A>G (p.Met122Val)

Gene: TSC1 (TSC complex subunit 1; minus strand). Cytogenetic location: 9q34.13.
Variant type: single nucleotide variant.
Coding change: c.364A>G on transcript NM_000368.5 (MANE Select); coding-DNA position 364, A replaced by G.
Protein change: p.Met122Val; replaces methionine 122 with valine.
Molecular consequence: missense variant. On other transcripts: initiator codon variant (1).
Genome position (GRCh38, 1-based): chr9:132,923,492, T>C on the plus strand (A>G on the coding strand, the complement: TSC1 is on the minus strand). VCF-style: chr9-132923492-T-C. GRCh37 (hg19) VCF-style: chr9-135798879-T-C.
Other names: c.364A>G, p.Met122Val (NM_001162426.2); c.211A>G, p.Met71Val (NM_001162427.2); c.1A>G, p.Met1Val (NM_001362177.2); short protein forms M122V, M71V, M1V.
Identifiers: ClinVar variation 1046012 (VCV001046012.11), dbSNP rs1846685026, ClinGen allele CA375373778.
Genomic context (GRCh38, chr9:132,923,492, plus strand): 5'-TTGGTAGCATGGTTATCAACACCAAGACGCCTGTTGTGAGGACAACGACGTCAGTGTCCA[T>C]CTGCAGGAGAAAAGGTCAAACAGGAAACGTCTGTCAGGCACTGGCACCAGGATCGGCATT-3'
Protein context (NP_000359.1, residues 112-132): LLPSLLKCLK[Met122Val]DTDVVVLTTG

ClinVar aggregate classification (germline): Conflicting classifications of pathogenicity. Review status: criteria provided, conflicting classifications (1 of 4 stars). 4 submissions from 4 submitters: Uncertain significance (3); Likely benign (1). Last evaluated 2025-05-27.

Conditions:
Tuberous sclerosis 1 (TSC1). Identifiers: Orphanet 805, MedGen C1854465, MONDO:0008612, OMIM 191100.
Hereditary cancer-predisposing syndrome. Also called: Hereditary neoplastic syndrome; Neoplastic Syndromes, Hereditary; Tumor predisposition; Hereditary Cancer Syndrome. Identifiers: Orphanet 140162, MedGen C0027672, MeSH D009386, MONDO:0015356.
Tuberous sclerosis syndrome (TSC). Also called: Tuberous Sclerosis Complex; Tuberous sclerosis. Identifiers: Orphanet 805, MedGen C0041341, MONDO:0001734.

Allele frequency attached by ClinVar (database versions not stated): gnomAD exomes below 0.00001; gnomAD 0.00001; TOPMed 0.00001.

Submissions (4):

Labcorp Genetics (formerly Invitae), Labcorp
Classification: Uncertain significance for Tuberous sclerosis 1. Last evaluated: 2025-05-27. Review status: criteria provided, single submitter. Criteria: Invitae Variant Classification Sherloc (09022015). Collection method: clinical testing. Allele origin: germline.
Comment: This sequence change replaces methionine, which is neutral and non-polar, with valine, which is neutral and non-polar, at codon 122 of the TSC1 protein (p.Met122Val). This variant is not present in population databases (gnomAD no frequency). This variant has not been reported in the literature in individuals affected with TSC1-related conditions. ClinVar contains an entry for this variant (Variation ID: 1046012). Invitae Evidence Modeling of protein sequence and biophysical properties (such as structural, functional, and spatial information, amino acid conservation, physicochemical variation, residue mobility, and thermodynamic stability) indicates that this missense variant is not expected to disrupt TSC1 protein function with a negative predictive value of 95%. In summary, the available evidence is currently insufficient to determine the role of this variant in disease. Therefore, it has been classified as a Variant of Uncertain Significance.

GeneDx
Classification: Uncertain significance. Last evaluated: 2024-07-29. Review status: criteria provided, single submitter. Criteria: GeneDx Variant Classification Process June 2021. Collection method: clinical testing. Allele origin: germline. Affected: yes.
Comment: Not observed at significant frequency in large population cohorts (gnomAD); In silico analysis indicates that this missense variant does not alter protein structure/function; Has not been previously published as pathogenic or benign to our knowledge

All of Us Research Program, National Institutes of Health
Classification: Uncertain significance for Tuberous sclerosis syndrome. Last evaluated: 2024-01-11. Review status: criteria provided, single submitter. Criteria: ACMG Guidelines, 2015. Collection method: clinical testing. Allele origin: germline. Inheritance: Autosomal dominant inheritance. Observed: 1 variant allele, 1 heterozygote.
Comment: This missense variant replaces methionine with valine at codon 122 of the TSC1 protein. Computational prediction suggests that this variant may not impact protein structure and function (internally defined REVEL score threshold <= 0.5, PMID: 27666373). To our knowledge, functional studies have not been reported for this variant. This variant has not been reported in individuals affected with hereditary cancer in the literature. This variant has not been identified in the general population by the Genome Aggregation Database (gnomAD). The available evidence is insufficient to determine the role of this variant in disease conclusively. Therefore, this variant is classified as a Variant of Uncertain Significance.

This study involves interpretation of variants in research participants for the purpose of population health screening. Participant phenotype was not available at the time of variant classification. Additional details can be found in publication PMID: 35346344, PMCID: PMC8962531

Ambry Genetics
Classification: Likely benign for Hereditary cancer-predisposing syndrome. Last evaluated: 2021-09-08. Review status: criteria provided, single submitter. Criteria: Ambry Variant Classification Scheme 2023. Collection method: clinical testing. Allele origin: germline.